The following is an entry in ClinVar:

ClinVar aggregate classification (germline): Pathogenic (1 of 4 stars; one submission).

Conditions:
Ataxia-telangiectasia syndrome (AT). Also called: Ataxia-telangiectasia, complementation group E; LOUIS-BAR SYNDROME; Ataxia-telangiectasia, complementation group D; AT, COMPLEMENTATION GROUP C; Ataxia-telangiectasia; Cerebello-oculocutaneous telangiectasia. Identifiers: Orphanet 100, MedGen C0004135, MONDO:0008840, OMIM 208900.

Submission:

Labcorp Genetics (formerly Invitae), Labcorp
Classification: Pathogenic for Ataxia-telangiectasia syndrome. Last evaluated: 2021-10-08. Review status: criteria provided, single submitter. Criteria: Invitae Variant Classification Sherloc (09022015). Collection method: clinical testing. Allele origin: germline.
Comment: This sequence change creates a premature translational stop signal (p.Ser698*) in the ATM gene. It is expected to result in an absent or disrupted protein product. Loss-of-function variants in ATM are known to be pathogenic (PMID: 23807571, 25614872). This variant is not present in population databases (ExAC no frequency). This variant has not been reported in the literature in individuals affected with ATM-related conditions. For these reasons, this variant has been classified as Pathogenic.

Literature cited by the submitters: PubMed 23807571; PubMed 25614872.

NM_000051.4(ATM):c.2093C>G (p.Ser698Ter)

Gene: ATM (ATM serine/threonine kinase; plus strand). Cytogenetic location: 11q22.3.
Variant type: single nucleotide variant.
Coding change: c.2093C>G on transcript NM_000051.4 (MANE Select); coding-DNA position 2093, C replaced by G.
Protein change: p.Ser698Ter; replaces serine 698 with a stop codon.
Molecular consequence: nonsense.
Genome position (GRCh38, 1-based): chr11:108,254,008, C>G. VCF-style: chr11-108254008-C-G. GRCh37 (hg19) VCF-style: chr11-108124735-C-G.
Other names: c.2093C>G, p.Ser698Ter (NM_001351834.2); short protein forms S698*.
Identifiers: ClinVar variation 1458537 (VCV001458537.6), dbSNP rs2135371158, ClinGen allele CA382537638.
Genomic context (GRCh38, chr11:108,254,008, plus strand): 5'-TTGGCTTCTCTGTCCACCAGAATCTCAAGGAATCACTGGATCGCTGTCTTCTGGGATTAT[C>G]AGAACAGCTTCTGAATAATTACTCATCTGAGGTGAGATTTTTTAAAAAAAGAACTAAGCT-3'